The following is an entry in ClinVar:

NM_005477.3(HCN4):c.410C>G (p.Ala137Gly)

Gene: HCN4 (hyperpolarization activated cyclic nucleotide gated potassium channel 4; minus strand). Cytogenetic location: 15q24.1.
Variant type: single nucleotide variant.
Coding change: c.410C>G on transcript NM_005477.3 (MANE Select); coding-DNA position 410, C replaced by G.
Protein change: p.Ala137Gly; replaces alanine 137 with glycine.
Molecular consequence: missense variant.
Genome position (GRCh38, 1-based): chr15:73,367,861, G>C on the plus strand (C>G on the coding strand, the complement: HCN4 is on the minus strand). VCF-style: chr15-73367861-G-C. GRCh37 (hg19) VCF-style: chr15-73660202-G-C.
Other names: short protein forms A137G.
Identifiers: ClinVar variation 3620394 (VCV003620394.2).

ClinVar aggregate classification (germline): Uncertain significance (1 of 4 stars; one submission).

Conditions:
Brugada syndrome 8 (BRGDA8). Identifiers: Orphanet 130, MedGen C2751083, MONDO:0013148, OMIM 613123.

Submission:

Labcorp Genetics (formerly Invitae), Labcorp
Classification: Uncertain significance for Brugada syndrome 8. Last evaluated: 2024-06-25. Review status: criteria provided, single submitter. Criteria: Invitae Variant Classification Sherloc (09022015). Collection method: clinical testing. Allele origin: germline.
Comment: This sequence change replaces alanine, which is neutral and non-polar, with glycine, which is neutral and non-polar, at codon 137 of the HCN4 protein (p.Ala137Gly). This variant is not present in population databases (gnomAD no frequency). This variant has not been reported in the literature in individuals affected with HCN4-related conditions. Advanced modeling of protein sequence and biophysical properties (such as structural, functional, and spatial information, amino acid conservation, physicochemical variation, residue mobility, and thermodynamic stability) performed at Invitae indicates that this missense variant is not expected to disrupt HCN4 protein function with a negative predictive value of 95%. In summary, the available evidence is currently insufficient to determine the role of this variant in disease. Therefore, it has been classified as a Variant of Uncertain Significance.